The following is an entry in ClinVar:

NM_198282.4(STING1):c.1025del (p.Thr342fs)

Gene: STING1 (stimulator of interferon response cGAMP interactor 1; minus strand). Cytogenetic location: 5q31.2.
Variant type: Deletion.
Coding change: c.1025del on transcript NM_198282.4 (MANE Select); coding-DNA position 1025, one base deleted (C; older notation c.1025delC).
Protein change: p.Thr342fs; shifts the reading frame from threonine 342.
Molecular consequence: frameshift variant.
Genome position (GRCh38, 1-based): chr5:139,476,376, G deleted on the plus strand (C on the coding strand, the reverse complement: STING1 is on the minus strand). VCF-style (leftmost placement, unchanged base first): chr5-139476375-AG-A. GRCh37 (hg19) VCF-style: chr5-138855960-AG-A.
Other names: c.838del, p.Leu280fs (NM_001301738.2); c.668del, p.Thr223fs (NM_001367258.1); short protein forms T223fs, T342fs, L280fs.
Identifiers: ClinVar variation 639028 (VCV000639028.9), dbSNP rs1581447916, ClinGen allele CA915942567.
Genomic context (GRCh38, chr5:139,476,375, plus strand): 5'-CTCAGGCTCTTGGGACATCGTGGAGGTACTGGGCACCGCTGAGGTCTTCAAGCTGCCCAC[AG>A]TAACCTCTTCCTTTTCCTCCTGCCGCAGGTGCCGGAGAACCTCCTGGGACAGCGAGAAGC-3'

ClinVar aggregate classification (germline): Uncertain significance (1 of 4 stars; one submission).

Conditions:
STING-associated vasculopathy with onset in infancy. Also called: Sting-associated vasculopathy, infantile-onset. Identifiers: Orphanet 425120, MedGen C4014722, MONDO:0014405, OMIM 615934.

Submission:

Labcorp Genetics (formerly Invitae), Labcorp
Classification: Uncertain significance for STING-associated vasculopathy with onset in infancy. Last evaluated: 2018-10-14. Review status: criteria provided, single submitter. Criteria: Invitae Variant Classification Sherloc (09022015). Collection method: clinical testing. Allele origin: germline.
Comment: This sequence change results in a premature translational stop signal in the TMEM173 gene (p.Thr342Metfs*5). While this is not anticipated to result in nonsense mediated decay, it is expected to disrupt the last 38 amino acids of the TMEM173 protein. This variant is not present in population databases (ExAC no frequency). This variant has not been reported in the literature in individuals with TMEM173-related disease. Experimental studies and prediction algorithms are not available for this variant, and the functional significance of the affected amino acids is currently unknown. In summary, the available evidence is currently insufficient to determine the role of this variant in disease. Therefore, it has been classified as a Variant of Uncertain Significance.